The following is an entry in ClinVar:

NM_001145860.2(POP1):c.2860C>T (p.Arg954Cys)

Gene: POP1 (POP1 ribonuclease P/MRP subunit; plus strand). Cytogenetic location: 8q22.2.
Variant type: single nucleotide variant.
Coding change: c.2860C>T on transcript NM_001145860.2 (MANE Select); coding-DNA position 2860, C replaced by T.
Protein change: p.Arg954Cys; replaces arginine 954 with cysteine.
Molecular consequence: missense variant.
Genome position (GRCh38, 1-based): chr8:98,158,056, C>T. VCF-style: chr8-98158056-C-T. GRCh37 (hg19) VCF-style: chr8-99170284-C-T.
Other names: c.2860C>T, p.Arg954Cys (NM_001145861.2, NM_015029.3); short protein forms R954C.
Identifiers: ClinVar variation 1932574 (VCV001932574.5), dbSNP rs754188245, ClinGen allele CA4820923.

ClinVar aggregate classification (germline): Uncertain significance (1 of 4 stars; one submission).

Allele frequency attached by ClinVar (database versions not stated): gnomAD 0.00003; TOPMed 0.00003.
gnomAD v4.1: 26 of 1,609,746 alleles (0.0016%); highest among the groups gnomAD compares: South Asian, 0.013%; 1 homozygote.

Submission:

Labcorp Genetics (formerly Invitae), Labcorp
Classification: Uncertain significance. Last evaluated: 2022-04-20. Review status: criteria provided, single submitter. Criteria: Invitae Variant Classification Sherloc (09022015). Collection method: clinical testing. Allele origin: germline.
Comment: Algorithms developed to predict the effect of missense changes on protein structure and function are either unavailable or do not agree on the potential impact of this missense change (SIFT: "Deleterious"; PolyPhen-2: "Benign"; Align-GVGD: "Class C0"). This sequence change replaces arginine, which is basic and polar, with cysteine, which is neutral and slightly polar, at codon 954 of the POP1 protein (p.Arg954Cys). The frequency data for this variant in the population databases is considered unreliable, as metrics indicate poor data quality at this position in the gnomAD database. This variant has not been reported in the literature in individuals affected with POP1-related conditions. In summary, the available evidence is currently insufficient to determine the role of this variant in disease. Therefore, it has been classified as a Variant of Uncertain Significance.